The following is an entry in ClinVar:

NM_014795.4(ZEB2):c.653G>A (p.Arg218Gln)

Gene: ZEB2 (zinc finger E-box binding homeobox 2; minus strand). Cytogenetic location: 2q22.3.
Variant type: single nucleotide variant.
Coding change: c.653G>A on transcript NM_014795.4 (MANE Select); coding-DNA position 653, G replaced by A.
Protein change: p.Arg218Gln; replaces arginine 218 with glutamine.
Molecular consequence: missense variant.
Genome position (GRCh38, 1-based): chr2:144,404,070, C>T on the plus strand (G>A on the coding strand, the complement: ZEB2 is on the minus strand). VCF-style: chr2-144404070-C-T. GRCh37 (hg19) VCF-style: chr2-145161637-C-T.
Other names: c.581G>A, p.Arg194Gln (NM_001171653.2); short protein forms R218Q, R194Q.
Identifiers: ClinVar variation 4737346 (VCV004737346.1).
Genomic context (GRCh38, chr2:144,404,070, plus strand): 5'-TCATTCTTCTCGTGGCGGTACTTGATGTGCTCCTTCAGTGATGTCAAGCGCTTGTAGCCC[C>T]GGTCGCAGTAGGGGCAGGTCAGCAGTTGGGCAAAAGCATCTGGAGTTCCAGGTGGCAGGT-3'
Protein context (NP_055610.1, residues 208-228): AQLLTCPYCD[Arg218Gln]GYKRLTSLKE

ClinVar aggregate classification (germline): Uncertain significance (1 of 4 stars; one submission).

Conditions:
Mowat-Wilson syndrome (MOWS). Also called: Classic Mowat-Wilson Syndrome. Identifiers: Orphanet 2152, MedGen C1856113, MONDO:0009341, OMIM 235730.

Submission:

Labcorp Genetics (formerly Invitae), Labcorp
Classification: Uncertain significance for Mowat-Wilson syndrome. Last evaluated: 2025-05-01. Review status: criteria provided, single submitter. Criteria: Invitae Variant Classification Sherloc (09022015). Collection method: clinical testing. Allele origin: germline.
Comment: This sequence change replaces arginine, which is basic and polar, with glutamine, which is neutral and polar, at codon 218 of the ZEB2 protein (p.Arg218Gln). This variant is not present in population databases (gnomAD no frequency). This variant has not been reported in the literature in individuals affected with ZEB2-related conditions. Invitae Evidence Modeling of protein sequence and biophysical properties (such as structural, functional, and spatial information, amino acid conservation, physicochemical variation, residue mobility, and thermodynamic stability) indicates that this missense variant is expected to disrupt ZEB2 protein function with a positive predictive value of 80%. In summary, the available evidence is currently insufficient to determine the role of this variant in disease. Therefore, it has been classified as a Variant of Uncertain Significance.